The following is an entry in ClinVar:

ClinVar aggregate classification (germline): Conflicting classifications of pathogenicity. Review status: criteria provided, conflicting classifications (1 of 4 stars). 3 submissions from 3 submitters: Uncertain significance (1); Likely benign (2). Last evaluated 2025-11-12.

Conditions:
Inborn genetic diseases. Identifiers: MedGen C0950123, MeSH D030342.
Rubinstein-Taybi syndrome due to EP300 haploinsufficiency. Also called: EP300-Related Rubinstein-Taybi Syndrome; RUBINSTEIN-TAYBI SYNDROME 2. Identifiers: Orphanet 353284, Orphanet 783, MedGen C3150941, MONDO:0013364, OMIM 613684.
EP300-related disorder. Also called: EP300-related condition; EP300-related disorders.

gnomAD v4.1: 17 of 1,613,914 alleles (0.0011%); highest among the groups gnomAD compares: Non-Finnish European, 0.0014%; no homozygotes.

Submissions (3):

Ambry Genetics
Classification: Likely benign for Inborn genetic diseases. Last evaluated: 2025-11-12. Review status: criteria provided, single submitter. Criteria: Ambry Variant Classification Scheme 2023. Collection method: clinical testing. Allele origin: germline.

PreventionGenetics, part of Exact Sciences
Classification: Likely benign for EP300-related condition. Last evaluated: 2025-10-29. Review status: criteria provided, single submitter. Criteria: ACMG Guidelines, 2015. Collection method: clinical testing. Allele origin: germline.
Comment: This variant is classified as likely benign based on ACMG/AMP sequence variant interpretation guidelines (Richards et al. 2015 PMID: 25741868, with internal and published modifications).

Labcorp Genetics (formerly Invitae), Labcorp
Classification: Uncertain significance for Rubinstein-Taybi syndrome due to EP300 haploinsufficiency. Last evaluated: 2024-03-07. Review status: criteria provided, single submitter. Criteria: Invitae Variant Classification Sherloc (09022015). Collection method: clinical testing. Allele origin: germline.
Comment: This sequence change replaces asparagine, which is neutral and polar, with lysine, which is basic and polar, at codon 2096 of the EP300 protein (p.Asn2096Lys). This variant is present in population databases (rs750769421, gnomAD 0.005%). This variant has not been reported in the literature in individuals affected with EP300-related conditions. Advanced modeling of protein sequence and biophysical properties (such as structural, functional, and spatial information, amino acid conservation, physicochemical variation, residue mobility, and thermodynamic stability) performed at Invitae indicates that this missense variant is not expected to disrupt EP300 protein function with a negative predictive value of 80%. In summary, the available evidence is currently insufficient to determine the role of this variant in disease. Therefore, it has been classified as a Variant of Uncertain Significance.

NM_001429.4(EP300):c.6288T>G (p.Asn2096Lys)

Gene: EP300 (EP300 lysine acetyltransferase; plus strand). Cytogenetic location: 22q13.2.
Variant type: single nucleotide variant.
Coding change: c.6288T>G on transcript NM_001429.4 (MANE Select); coding-DNA position 6288, T replaced by G.
Protein change: p.Asn2096Lys; replaces asparagine 2096 with lysine.
Molecular consequence: missense variant.
Genome position (GRCh38, 1-based): chr22:41,177,999, T>G. VCF-style: chr22-41177999-T-G. GRCh37 (hg19) VCF-style: chr22-41574003-T-G.
Other names: c.6210T>G, p.Asn2070Lys (NM_001362843.2); short protein forms N2070K, N2096K.
Identifiers: ClinVar variation 3354995 (VCV003354995.5).
Genomic context (GRCh38, chr22:41,177,999, plus strand): 5'-CAACCCCCAGCTGTTGGCTGCATTCATCAAGCAGCGGGCTGCCAAGTATGCCAACTCTAA[T>G]CCACAACCCATCCCTGGGCAGCCTGGCATGCCCCAGGGGCAGCCAGGGCTACAGCCACCT-3'
Protein context (NP_001420.2, residues 2086-2106): KQRAAKYANS[Asn2096Lys]PQPIPGQPGM